The following is an entry in ClinVar:

NM_001999.4(FBN2):c.532C>T (p.Pro178Ser)

Gene: FBN2 (fibrillin 2; minus strand). Cytogenetic location: 5q23.3.
Variant type: single nucleotide variant.
Coding change: c.532C>T on transcript NM_001999.4 (MANE Select); coding-DNA position 532, C replaced by T.
Protein change: p.Pro178Ser; replaces proline 178 with serine.
Molecular consequence: missense variant.
Genome position (GRCh38, 1-based): chr5:128,527,872, G>A on the plus strand (C>T on the coding strand, the complement: FBN2 is on the minus strand). VCF-style: chr5-128527872-G-A. GRCh37 (hg19) VCF-style: chr5-127863565-G-A.
Other names: short protein forms P178S.
Identifiers: ClinVar variation 350792 (VCV000350792.7), dbSNP rs765177174, ClinGen allele CA3396098.
Genomic context (GRCh38, chr5:128,527,872, plus strand): 5'-ATAACTTAATATGAAATATCCACCAAATCAAATGATTTCTAATAAATCAATGTCCCTTAC[G>A]TTGTCCACAATAAGTTCCAATATATCCTTTCTGGCACTGGCAGTGGTCATCTGCACAGGT-3'
Protein context (NP_001990.2, residues 168-188): KGYIGTYCGQ[Pro178Ser]VCENGCQNGG

ClinVar aggregate classification (germline): Conflicting classifications of pathogenicity. Review status: criteria provided, conflicting classifications (1 of 4 stars). 3 submissions from 3 submitters: Uncertain significance (2); Likely benign (1). Last evaluated 2025-12-13.

Conditions:
Congenital contractural arachnodactyly (CCA). Also called: BEALS SYNDROME; Beals-Hecht syndrome; Arthrogryposis, distal, type 9. Identifiers: Orphanet 115, MedGen C0220668, MONDO:0007363, OMIM 121050.
Familial thoracic aortic aneurysm and aortic dissection (TAAD). Also called: Thoracic aortic aneurysms and dissections. Identifiers: Orphanet 91387, MedGen C4707243, MONDO:0019625.

Allele frequency attached by ClinVar (database versions not stated): gnomAD exomes 0.00001 and 0.00003; ExAC 0.00003.
gnomAD v4.1: 14 of 1,588,792 alleles (0.00088%); highest among the groups gnomAD compares: Middle Eastern, 0.017%; no homozygotes.

Submissions (3):

Labcorp Genetics (formerly Invitae), Labcorp
Classification: Uncertain significance for Congenital contractural arachnodactyly. Last evaluated: 2025-12-13. Review status: criteria provided, single submitter. Criteria: Invitae Variant Classification Sherloc (09022015). Collection method: clinical testing. Allele origin: germline.
Comment: This sequence change replaces proline, which is neutral and non-polar, with serine, which is neutral and polar, at codon 178 of the FBN2 protein (p.Pro178Ser). This variant is present in population databases (rs765177174, gnomAD 0.02%). This variant has not been reported in the literature in individuals affected with FBN2-related conditions. ClinVar contains an entry for this variant (Variation ID: 350792). An algorithm developed to predict the effect of missense changes on protein structure and function (PolyPhen-2) suggests that this variant is likely to be tolerated. In summary, the available evidence is currently insufficient to determine the role of this variant in disease. Therefore, it has been classified as a Variant of Uncertain Significance.

Ambry Genetics
Classification: Uncertain significance for Familial thoracic aortic aneurysm and aortic dissection. Last evaluated: 2025-07-11. Review status: criteria provided, single submitter. Criteria: Ambry Variant Classification Scheme 2023. Collection method: clinical testing. Allele origin: germline.
Comment: The p.P178S variant (also known as c.532C>T), located in coding exon 4 of the FBN2 gene, results from a C to T substitution at nucleotide position 532. The amino acid change results in proline to serine at codon 178, an amino acid with similar properties. This amino acid position is highly conserved in available vertebrate species. In addition, this alteration is predicted to be deleterious by in silico analysis. Based on the available evidence, the clinical significance of this variant remains unclear.

Illumina Laboratory Services, Illumina
Classification: Likely benign for Congenital contractural arachnodactyly. Last evaluated: 2018-01-13. Review status: criteria provided, single submitter. Criteria: ICSL Variant Classification Criteria 13 December 2019. Collection method: clinical testing. Allele origin: germline.
Comment: This variant was observed in the ICSL laboratory as part of a predisposition screen in an ostensibly healthy population. It had not been previously curated by ICSL or reported in the Human Gene Mutation Database (HGMD: prior to June 1st, 2018), and was therefore a candidate for classification through an automated scoring system. Utilizing variant allele frequency, disease prevalence and penetrance estimates, and inheritance mode, an automated score was calculated to assess if this variant is too frequent to cause the disease. Based on the score and internal cut-off values, a variant classified as likely benign is not then subjected to further curation. The score for this variant resulted in a classification of likely benign for this disease.